The following is an entry in ClinVar:

ClinVar aggregate classification (germline): Uncertain significance (1 of 4 stars; one submission).

Conditions:
Fanconi anemia (FA). Also called: Fanconi's anemia. Identifiers: Orphanet 84, MedGen C0015625, MeSH D005199, MONDO:0019391.

Submission:

Labcorp Genetics (formerly Invitae), Labcorp
Classification: Uncertain significance for Fanconi anemia. Last evaluated: 2025-06-12. Review status: criteria provided, single submitter. Criteria: Invitae Variant Classification Sherloc (09022015). Collection method: clinical testing. Allele origin: germline.
Comment: This sequence change replaces lysine, which is basic and polar, with glutamic acid, which is acidic and polar, at codon 280 of the FANCI protein (p.Lys280Glu). This variant is not present in population databases (gnomAD no frequency). This variant has not been reported in the literature in individuals affected with FANCI-related conditions. ClinVar contains an entry for this variant (Variation ID: 1897218). Invitae Evidence Modeling of protein sequence and biophysical properties (such as structural, functional, and spatial information, amino acid conservation, physicochemical variation, residue mobility, and thermodynamic stability) indicates that this missense variant is not expected to disrupt FANCI protein function with a negative predictive value of 80%. In summary, the available evidence is currently insufficient to determine the role of this variant in disease. Therefore, it has been classified as a Variant of Uncertain Significance.

NM_001113378.2(FANCI):c.838A>G (p.Lys280Glu)

Gene: FANCI (FA complementation group I; plus strand). Cytogenetic location: 15q26.1.
Variant type: single nucleotide variant.
Coding change: c.838A>G on transcript NM_001113378.2 (MANE Select); coding-DNA position 838, A replaced by G.
Protein change: p.Lys280Glu; replaces lysine 280 with glutamic acid.
Molecular consequence: missense variant.
Genome position (GRCh38, 1-based): chr15:89,268,481, A>G. VCF-style: chr15-89268481-A-G. GRCh37 (hg19) VCF-style: chr15-89811712-A-G.
Other names: c.559A>G, p.Lys187Glu (NM_001376910.1); c.838A>G, p.Lys280Glu (NM_001376911.1, NM_018193.3); short protein forms K187E, K280E.
Identifiers: ClinVar variation 1897218 (VCV001897218.5), dbSNP rs2053065030, ClinGen allele CA393740205.